The following is an entry in ClinVar:

ClinVar aggregate classification (germline): Uncertain significance. Review status: criteria provided, multiple submitters, no conflicts (2 of 4 stars). 2 submissions from 2 submitters: Uncertain significance (2). Last evaluated 2025-03-09.

Allele frequency attached by ClinVar (database versions not stated): gnomAD exomes 0.00002 and 0.00004; TOPMed 0.00002; ExAC 0.00003; gnomAD 0.00003 and 0.00004.
gnomAD v4.1: 68 of 1,613,470 alleles (0.0042%); highest among the groups gnomAD compares: Non-Finnish European, 0.0054%; no homozygotes.

Submissions (2):

Ambry Genetics
Classification: Uncertain significance. Last evaluated: 2025-03-09. Review status: criteria provided, single submitter. Criteria: Ambry Variant Classification Scheme 2023. Collection method: clinical testing. Allele origin: germline.

Labcorp Genetics (formerly Invitae), Labcorp
Classification: Uncertain significance. Last evaluated: 2023-05-01. Review status: criteria provided, single submitter. Criteria: Invitae Variant Classification Sherloc (09022015). Collection method: clinical testing. Allele origin: germline.
Comment: In summary, the available evidence is currently insufficient to determine the role of this variant in disease. Therefore, it has been classified as a Variant of Uncertain Significance. Advanced modeling of protein sequence and biophysical properties (such as structural, functional, and spatial information, amino acid conservation, physicochemical variation, residue mobility, and thermodynamic stability) performed at Invitae indicates that this missense variant is not expected to disrupt WNT3A protein function. This sequence change replaces tryptophan, which is neutral and slightly polar, with arginine, which is basic and polar, at codon 219 of the WNT3A protein (p.Trp219Arg). This variant is present in population databases (rs756519375, gnomAD 0.004%). This variant has not been reported in the literature in individuals affected with WNT3A-related conditions. ClinVar contains an entry for this variant (Variation ID: 1440937).

NM_033131.4(WNT3A):c.655T>C (p.Trp219Arg)

Gene: WNT3A (Wnt family member 3A; plus strand). Cytogenetic location: 1q42.13.
Variant type: single nucleotide variant.
Coding change: c.655T>C on transcript NM_033131.4 (MANE Select); coding-DNA position 655, T replaced by C.
Protein change: p.Trp219Arg; replaces tryptophan 219 with arginine.
Molecular consequence: missense variant.
Genome position (GRCh38, 1-based): chr1:228,059,061, T>C. VCF-style: chr1-228059061-T-C. GRCh37 (hg19) VCF-style: chr1-228246762-T-C.
Other names: c.655T>C (NM_033131.3); short protein forms W219R.
Identifiers: ClinVar variation 1440937 (VCV001440937.7), dbSNP rs756519375, ClinGen allele CA1429521.